The following is an entry in ClinVar:

NM_012123.4(MTO1):c.1393A>G (p.Met465Val)

Gene: MTO1 (mitochondrial tRNA translation optimization 1; plus strand). Cytogenetic location: 6q13.
Variant type: single nucleotide variant.
Coding change: c.1393A>G on transcript NM_012123.4 (MANE Select); coding-DNA position 1393, A replaced by G.
Protein change: p.Met465Val; replaces methionine 465 with valine.
Molecular consequence: missense variant.
Genome position (GRCh38, 1-based): chr6:73,482,172, A>G. VCF-style: chr6-73482172-A-G. GRCh37 (hg19) VCF-style: chr6-74191895-A-G.
Other names: c.1513A>G, p.Met505Val (NM_001123226.2); c.1468A>G, p.Met490Val (NM_133645.3); short protein forms M465V, M505V, M490V.
Identifiers: ClinVar variation 1027765 (VCV001027765.3), dbSNP rs1000432861, ClinGen allele CA140963091.

ClinVar aggregate classification (germline): Uncertain significance. Review status: criteria provided, multiple submitters, no conflicts (2 of 4 stars). 3 submissions from 3 submitters: Uncertain significance (3). Last evaluated 2024-04-04.

Conditions:
Mitochondrial hypertrophic cardiomyopathy with lactic acidosis due to MTO1 deficiency. Also called: CARDIOMYOPATHY, INFANTILE HYPERTROPHIC MITOCHONDRIAL, AND LACTIC ACIDOSIS; Combined oxidative phosphorylation deficiency 10. Identifiers: Orphanet 314637, MedGen C4749921, MONDO:0013865, OMIM 614702.

gnomAD v4.1: 3 of 1,614,132 alleles (0.00019%); highest among the groups gnomAD compares: Middle Eastern, 0.033%; no homozygotes.

Submissions (3):

Genomic Medicine Center of Excellence, King Faisal Specialist Hospital and Research Centre
Classification: Uncertain significance for Mitochondrial hypertrophic cardiomyopathy with lactic acidosis due to MTO1 deficiency. Last evaluated: 2024-04-04. Review status: criteria provided, single submitter. Criteria: ACMG Guidelines, 2015. Collection method: clinical testing. Allele origin: germline.

Fulgent Genetics
Classification: Uncertain significance for Mitochondrial hypertrophic cardiomyopathy with lactic acidosis due to MTO1 deficiency. Last evaluated: 2021-07-12. Review status: criteria provided, single submitter. Criteria: ACMG Guidelines, 2015. Collection method: clinical testing. Allele origin: unknown.

Baylor Genetics
Classification: Uncertain significance for Mitochondrial hypertrophic cardiomyopathy with lactic acidosis due to MTO1 deficiency. Last evaluated: 2020-06-10. Review status: criteria provided, single submitter. Criteria: ACMG Guidelines, 2015. Collection method: clinical testing. Allele origin: unknown. Affected: yes.
Comment: This variant was determined to be of uncertain significance according to ACMG Guidelines, 2015 [PMID:25741868].